The following is an entry in ClinVar:

NM_000215.4(JAK3):c.862-2A>G

Gene: JAK3 (Janus kinase 3; minus strand). Cytogenetic location: 19p13.11.
Variant type: single nucleotide variant.
Coding change: c.862-2A>G on transcript NM_000215.4 (MANE Select); the canonical splice acceptor site of the intron before coding-DNA position 862, A replaced by G.
Molecular consequence: splice acceptor variant.
Genome position (GRCh38, 1-based): chr19:17,841,764, T>C on the plus strand (A>G on the coding strand, the complement: JAK3 is on the minus strand). VCF-style: chr19-17841764-T-C. GRCh37 (hg19) VCF-style: chr19-17952573-T-C.
Identifiers: ClinVar variation 390413 (VCV000390413.6), dbSNP rs1057523762, ClinGen allele CA16608096.

ClinVar aggregate classification (germline): Likely pathogenic. Review status: reviewed by expert panel (3 of 4 stars). 3 submissions from 3 submitters: Likely pathogenic (1). 2 of the submissions do not count toward it. Last evaluated 2026-08-28.

Conditions:
T-B+ severe combined immunodeficiency due to JAK3 deficiency. Also called: SCID, autosomal recessive, T-negative/B-positive type; SCID, T CELL-NEGATIVE, B CELL-POSITIVE, NK CELL-NEGATIVE. Identifiers: Orphanet 35078, MedGen C1833275, MONDO:0010938, OMIM 600802.

Submissions (3):

ClinGen Severe Combined Immunodeficiency Variant Curation Expert Panel, ClinGen
Classification: Likely pathogenic for T-B+ severe combined immunodeficiency due to JAK3 deficiency. Last evaluated: 2026-08-28. Review status: reviewed by expert panel. Criteria: ClinGen SCID ACMG Specifications JAK3 V2.3. Collection method: curation. Allele origin: germline. Inheritance: Autosomal recessive inheritance.
Comment: The NM_000215.4(JAK3):c. 862-2A>G variant results in an A-to-G substitution at the −2 position of intron 6, close to the N terminal end of the Jak3 gene, and is also known by the legacy designation IVS6-2A>G. This variant disrupts the canonical splice acceptor site of intron 6, predicted to result in in-frame skipping of exon 7. This exon falls within the FERM domain, a functionally critical N-terminal region that mediates JAK3’s binding to the common gamma chain (γc/IL2RG), an interaction essential for JAK3 function. FERM domain mutations have been shown to inhibit receptor binding and abrogate kinase activity, indicating that loss of this region would be expected to disrupt receptor association even if the remainder of the kinase domain remains structurally intact (PMID: 11741532). This variant is absent from the control population in gnomAD v4.1.1. This variant has been observed in a compound heterozygous state in two unrelated probands: one with typical SCID, in trans with the JAK3 variant c.431A>T (p.Asp144Val), and one with Omenn syndrome, in trans with the JAK3 variant c.442G>A (p.Gly148Arg) (PMID: 34539671, 30778343). Neither missense variant has yet been curated by the SCID VCEP. At least one patient was diagnosed with typical SCID (0.5 point), and SCID panel/WES sequencing was performed identifying JAK3 variants without an alternative genetic explanation (1.0 point, PMID: 34539671). A total of 1.5 points were assigned, meeting the PP4 criterion. In summary, this variant meets the criteria to be classified as a Likely Pathogenic variant for autosomal recessive severe combined immunodeficiency due to JAK3 deficiency based on the ACMG/AMP criteria applied, as specified by the ClinGen SCID VCEP: PVS1_Strong, PM2_Supporting, PP4 (VCEP specifications version 2.3.0).

Labcorp Genetics (formerly Invitae), Labcorp
Classification: Pathogenic for T-B+ severe combined immunodeficiency due to JAK3 deficiency. Last evaluated: 2023-04-30. Review status: criteria provided, single submitter. Criteria: Invitae Variant Classification Sherloc (09022015). Collection method: clinical testing. Allele origin: germline. Not counted in ClinVar's aggregate classification.
Comment: For these reasons, this variant has been classified as Pathogenic. Algorithms developed to predict the effect of sequence changes on RNA splicing suggest that this variant may disrupt the consensus splice site. ClinVar contains an entry for this variant (Variation ID: 390413). Disruption of this splice site has been observed in individuals with severe combined immunodeficiency (PMID: 30778343, 34539671). This variant is not present in population databases (gnomAD no frequency). This sequence change affects an acceptor splice site in intron 6 of the JAK3 gene. It is expected to disrupt RNA splicing. Variants that disrupt the donor or acceptor splice site typically lead to a loss of protein function (PMID: 16199547), and loss-of-function variants in JAK3 are known to be pathogenic (PMID: 7481768, 11668621).

GeneDx
Classification: Likely pathogenic. Last evaluated: 2017-06-22. Review status: criteria provided, single submitter. Criteria: GeneDx Variant Classification (06012015). Collection method: clinical testing. Allele origin: germline. Affected: yes. Not counted in ClinVar's aggregate classification.
Comment: The c.862-2 A>G variant has not been published as a pathogenic variant, nor has it been reported as a benign variant to our knowledge. The variant was not observed in approximately 6,500 individuals of European and African American ancestry in the NHLBI Exome Sequencing Project, indicating it is not a common benign variant in these populations. It destroys the canonical splice acceptor site in intron 6; however, the adjacent exon is predicted to remain in frame. In the absence of RNA/functional studies, the actual effect of this sequence change in this individual is unknown. Therefore, this variant is likely pathogenic; however, the possibility that it is benign cannot be excluded.

Literature cited by the submitters: PubMed 30778343 (cited by Labcorp Genetics (formerly Invitae), Labcorp); PubMed 34539671 (cited by Labcorp Genetics (formerly Invitae), Labcorp); PubMed 16199547 (cited by Labcorp Genetics (formerly Invitae), Labcorp); PubMed 7481768 (cited by Labcorp Genetics (formerly Invitae), Labcorp); PubMed 11668621 (cited by Labcorp Genetics (formerly Invitae), Labcorp).